The following is an entry in ClinVar:

NM_001365276.2(TNXB):c.4807G>A (p.Glu1603Lys)

Gene: TNXB (tenascin XB; minus strand). Cytogenetic location: 6p21.33.
Variant type: single nucleotide variant.
Coding change: c.4807G>A on transcript NM_001365276.2 (MANE Select); coding-DNA position 4807, G replaced by A.
Protein change: p.Glu1603Lys; replaces glutamic acid 1603 with lysine.
Molecular consequence: missense variant.
Genome position (GRCh38, 1-based): chr6:32,072,173, C>T on the plus strand (G>A on the coding strand, the complement: TNXB is on the minus strand). VCF-style: chr6-32072173-C-T. GRCh37 (hg19) VCF-style: chr6-32039950-C-T.
Other names: c.5548G>A, p.Glu1850Lys (NM_001428335.1); c.4807G>A, p.Glu1603Lys (NM_019105.8); short protein forms E1850K, E1603K.
Identifiers: ClinVar variation 5004043 (VCV005004043.1).

ClinVar aggregate classification (germline): Uncertain significance (1 of 4 stars; one submission).

Conditions:
Ehlers-Danlos syndrome due to tenascin-X deficiency (EDSCLL1). Also called: TNX DEFICIENCY; EDS DUE TO TNX DEFICIENCY; EHLERS-DANLOS SYNDROME, CLASSIC-LIKE; Ehlers-Danlos syndrome, classic-like, 1; TNXB-Related Classical-Like Ehlers-Danlos Syndrome. Identifiers: Orphanet 230839, MedGen C1848029, MONDO:0011670, OMIM 606408.

Submission:

Myriad Genetics, Inc.
Classification: Uncertain significance for Ehlers-Danlos syndrome due to tenascin-X deficiency. Last evaluated: 2026-01-20. Review status: criteria provided, single submitter. Criteria: Myriad Autosomal Dominant, Autosomal Recessive and X-Linked Classification Criteria (2023). Collection method: clinical testing. Allele origin: unknown.
Comment: NM_019105.6(TNXB):c.4807G>A(E1603K) is a missense variant classified as a variant of uncertain significance in the context of classical-like Ehlers-Danlos syndrome, TNXB-related. E1603K has not been observed in cases with relevant disease. Relevant functional assessments of this variant are not available in the literature. E1603K has not been observed in referenced population frequency databases. In summary, there is insufficient evidence to classify NM_019105.6(TNXB):c.4807G>A(E1603K) as pathogenic or benign. Please note: this variant was assessed in the context of healthy population screening.